The following is an entry in ClinVar:

ClinVar aggregate classification (germline): Pathogenic (1 of 4 stars; one submission).

Conditions:
Congenital heart defects, multiple types, 2 (CHTD2). Also called: Congenital heart defects, nonsyndromic, 2. Identifiers: Orphanet 664401, MedGen C3554279, MONDO:0014000, OMIM 614980.

Submission:

Victorian Clinical Genetics Services, Murdoch Childrens Research Institute
Classification: Pathogenic for Congenital heart defects, multiple types, 2. Last evaluated: 2023-07-17. Review status: criteria provided, single submitter. Criteria: ACMG Guidelines, 2015. Collection method: clinical testing. Allele origin: germline. Inheritance: Autosomal dominant inheritance. Affected: yes.
Comment: Based on the classification scheme VCGS_Germline_v1.3.4, this variant is classified as Pathogenic. Following criteria are met: 0103 - Loss of function (LoF) and gain of function (GoF) are known mechanisms of disease in this gene. LoF is associated with congenital heart defects (CHD), nonsyndromic, 2 (MIM#614980) and congenital heart defects, multiple types, 2 (MONDO:0014000), while partial LoF appears to be associated with an emerging developmental delay and hypotonia syndrome with mild or no CHD (PMID: 36229919). GoF has an emerging association with frontometaphyseal dysplasia; however, this has currently only been observed in two individuals (PMID: 36229919). (I) 0107 - This gene is associated with autosomal dominant disease. (I) 0201 - Variant is predicted to cause nonsense-mediated decay (NMD) and loss of protein (premature termination codon is located at least 54 nucleotides upstream of the final exon-exon junction). (SP) 0251 - This variant is heterozygous. (I) 0301 - Variant is absent from gnomAD (both v2 and v3). (SP) 0701 - Other NMD-predicted variants comparable to the one identified in this case have very strong previous evidence for pathogenicity (DECIPHER). (SP) 0803 - This variant has limited previous evidence of pathogenicity in an unrelated individual. This variant has been observed in an individual with congenital heart defects and developmental abnormalities (PMID: 36229919). (SP) 0905 - No published segregation evidence has been identified for this variant. (I) 1002 - This variant has moderate functional evidence supporting abnormal protein function. A luciferase assay has shown this variant has significantly lower activity than wild type (PMID: 36229919). (SP) Legend: (SP) - Supporting pathogenic, (I) - Information, (SB) - Supporting benign

Literature cited by the submitters: PubMed 36229919.

NM_001292034.3(TAB2):c.379C>T (p.Gln127Ter)

Gene: TAB2 (TGF-beta activated kinase 1 (MAP3K7) binding protein 2; plus strand). Cytogenetic location: 6q25.1.
Variant type: single nucleotide variant.
Coding change: c.379C>T on transcript NM_001292034.3 (MANE Select); coding-DNA position 379, C replaced by T.
Protein change: p.Gln127Ter; replaces glutamine 127 with a stop codon.
Molecular consequence: nonsense.
Genome position (GRCh38, 1-based): chr6:149,378,294, C>T. VCF-style: chr6-149378294-C-T. GRCh37 (hg19) VCF-style: chr6-149699430-C-T.
Other names: c.283C>T, p.Gln95Ter (NM_001292035.3); c.379C>T, p.Gln127Ter (NM_001369506.1, NM_015093.6); short protein forms Q127*, Q95*.
Identifiers: ClinVar variation 3254807 (VCV003254807.1), dbSNP rs2483385319.